The following is an entry in ClinVar:

ClinVar aggregate classification (germline): Uncertain significance (1 of 4 stars; one submission).

Conditions:
Autosomal dominant limb-girdle muscular dystrophy type 1G (LGMDD3). Also called: Limb-girdle muscular dystrophy, type 1G; MUSCULAR DYSTROPHY, LIMB-GIRDLE, AUTOSOMAL DOMINANT 3. Identifiers: Orphanet 55596, MedGen C1836765, MONDO:0012193, OMIM 609115.

Allele frequency attached by ClinVar (database versions not stated): ExAC 0.00001; TOPMed 0.00001.
gnomAD v4.1: 3 of 1,613,418 alleles (0.00019%); highest among the groups gnomAD compares: Middle Eastern, 0.017%; no homozygotes.

Submission:

Labcorp Genetics (formerly Invitae), Labcorp
Classification: Uncertain significance for Autosomal dominant limb-girdle muscular dystrophy type 1G. Last evaluated: 2023-09-29. Review status: criteria provided, single submitter. Criteria: Invitae Variant Classification Sherloc (09022015). Collection method: clinical testing. Allele origin: germline.
Comment: This variant has not been reported in the literature in individuals affected with HNRNPDL-related conditions. In summary, the available evidence is currently insufficient to determine the role of this variant in disease. Therefore, it has been classified as a Variant of Uncertain Significance. An algorithm developed to predict the effect of missense changes on protein structure and function (PolyPhen-2) suggests that this variant is likely to be tolerated. This variant is present in population databases (rs752710041, gnomAD 0.007%). This sequence change replaces arginine, which is basic and polar, with glutamine, which is neutral and polar, at codon 332 of the HNRNPDL protein (p.Arg332Gln).

NM_031372.4(HNRNPDL):c.995G>A (p.Arg332Gln)

Gene: HNRNPDL (heterogeneous nuclear ribonucleoprotein D like; minus strand). Cytogenetic location: 4q21.22.
Variant type: single nucleotide variant.
Coding change: c.995G>A on transcript NM_031372.4 (MANE Select); coding-DNA position 995, G replaced by A.
Protein change: p.Arg332Gln; replaces arginine 332 with glutamine.
Molecular consequence: missense variant. On other transcripts: non-coding transcript variant (1).
Genome position (GRCh38, 1-based): chr4:82,427,216, C>T on the plus strand (G>A on the coding strand, the complement: HNRNPDL is on the minus strand). VCF-style: chr4-82427216-C-T. GRCh37 (hg19) VCF-style: chr4-83348369-C-T.
Other names: c.995G>A, p.Arg332Gln (NM_001207000.1); short protein forms R332Q.
Identifiers: ClinVar variation 3000405 (VCV003000405.3), dbSNP rs752710041, ClinGen allele CA2984814.